The following is an entry in ClinVar:

ClinVar aggregate classification (germline): Uncertain significance (1 of 4 stars; one submission).

gnomAD v4.1: 2 of 1,610,170 alleles (0.00012%); highest among the groups gnomAD compares: African/African-American, 0.0013%; no homozygotes.

Submission:

Labcorp Genetics (formerly Invitae), Labcorp
Classification: Uncertain significance. Last evaluated: 2024-06-21. Review status: criteria provided, single submitter. Criteria: Invitae Variant Classification Sherloc (09022015). Collection method: clinical testing. Allele origin: germline.
Comment: This sequence change affects an acceptor splice site in intron 26 of the HMCN1 gene. It is expected to disrupt RNA splicing. Variants that disrupt the donor or acceptor splice site typically lead to a loss of protein function (PMID: 16199547), however the current clinical and genetic evidence is not sufficient to establish whether loss-of-function variants in HMCN1 cause disease. This variant is present in population databases (no rsID available, gnomAD 0.003%). This variant has not been reported in the literature in individuals affected with HMCN1-related conditions. Algorithms developed to predict the effect of sequence changes on RNA splicing suggest that this variant may disrupt the consensus splice site. In summary, the available evidence is currently insufficient to determine the role of this variant in disease. Therefore, it has been classified as a Variant of Uncertain Significance.

Literature cited by the submitters: PubMed 16199547.

NM_031935.3(HMCN1):c.4070-2A>C

Gene: HMCN1 (hemicentin 1; plus strand). Cytogenetic location: 1q31.1.
Variant type: single nucleotide variant.
Coding change: c.4070-2A>C on transcript NM_031935.3 (MANE Select); the canonical splice acceptor site of the intron before coding-DNA position 4070, A replaced by C.
Molecular consequence: splice acceptor variant.
Genome position (GRCh38, 1-based): chr1:186,001,296, A>C. VCF-style: chr1-186001296-A-C. GRCh37 (hg19) VCF-style: chr1-185970428-A-C.
Identifiers: ClinVar variation 3657264 (VCV003657264.2).